The following is an entry in ClinVar:

ClinVar aggregate classification (germline): Uncertain significance (1 of 4 stars; one submission).

gnomAD v4.1: 35 of 1,614,024 alleles (0.0022%); highest among the groups gnomAD compares: Non-Finnish European, 0.0029%; no homozygotes.

Submission:

Labcorp Genetics (formerly Invitae), Labcorp
Classification: Uncertain significance. Last evaluated: 2025-04-23. Review status: criteria provided, single submitter. Criteria: Invitae Variant Classification Sherloc (09022015). Collection method: clinical testing. Allele origin: germline.
Comment: This sequence change replaces serine, which is neutral and polar, with cysteine, which is neutral and slightly polar, at codon 135 of the ASXL1 protein (p.Ser135Cys). This variant is present in population databases (rs746954131, gnomAD 0.0009%). This variant has not been reported in the literature in individuals affected with ASXL1-related conditions. ClinVar contains an entry for this variant (Variation ID: 3705233). An algorithm developed to predict the effect of missense changes on protein structure and function (PolyPhen-2) suggests that this variant is likely to be disruptive. In summary, the available evidence is currently insufficient to determine the role of this variant in disease. Therefore, it has been classified as a Variant of Uncertain Significance.

NM_015338.6(ASXL1):c.404C>G (p.Ser135Cys)

Gene: ASXL1 (ASXL transcriptional regulator 1; plus strand). Cytogenetic location: 20q11.21.
Variant type: single nucleotide variant.
Coding change: c.404C>G on transcript NM_015338.6 (MANE Select); coding-DNA position 404, C replaced by G.
Protein change: p.Ser135Cys; replaces serine 135 with cysteine.
Molecular consequence: missense variant.
Genome position (GRCh38, 1-based): chr20:32,428,355, C>G. VCF-style: chr20-32428355-C-G. GRCh37 (hg19) VCF-style: chr20-31016158-C-G.
Other names: c.374C>G, p.Ser125Cys (NM_001363734.1); short protein forms S135C, S125C.
Identifiers: ClinVar variation 3705233 (VCV003705233.2).